The following is an entry in ClinVar:

ClinVar aggregate classification (germline): Uncertain significance (1 of 4 stars; one submission).

Conditions:
Autosomal dominant limb-girdle muscular dystrophy type 1F (LGMDD2). Also called: Limb-girdle muscular dystrophy, type 1F; MUSCULAR DYSTROPHY, LIMB-GIRDLE, AUTOSOMAL DOMINANT 2. Identifiers: Orphanet 55595, MedGen C1842062, MONDO:0012034, OMIM 608423.

Submission:

Labcorp Genetics (formerly Invitae), Labcorp
Classification: Uncertain significance for Autosomal dominant limb-girdle muscular dystrophy type 1F. Last evaluated: 2024-05-13. Review status: criteria provided, single submitter. Criteria: Invitae Variant Classification Sherloc (09022015). Collection method: clinical testing. Allele origin: germline.
Comment: This sequence change replaces asparagine, which is neutral and polar, with threonine, which is neutral and polar, at codon 431 of the TNPO3 protein (p.Asn431Thr). This variant is not present in population databases (gnomAD no frequency). This variant has not been reported in the literature in individuals affected with TNPO3-related conditions. Advanced modeling of protein sequence and biophysical properties (such as structural, functional, and spatial information, amino acid conservation, physicochemical variation, residue mobility, and thermodynamic stability) performed at Invitae indicates that this missense variant is not expected to disrupt TNPO3 protein function with a negative predictive value of 80%. In summary, the available evidence is currently insufficient to determine the role of this variant in disease. Therefore, it has been classified as a Variant of Uncertain Significance.

NM_012470.4(TNPO3):c.1292A>C (p.Asn431Thr)

Gene: TNPO3 (transportin 3; minus strand). Cytogenetic location: 7q32.1.
Variant type: single nucleotide variant.
Coding change: c.1292A>C on transcript NM_012470.4 (MANE Select); coding-DNA position 1292, A replaced by C.
Protein change: p.Asn431Thr; replaces asparagine 431 with threonine.
Molecular consequence: missense variant. On other transcripts: non-coding transcript variant (16).
Genome position (GRCh38, 1-based): chr7:128,992,065, T>G on the plus strand (A>C on the coding strand, the complement: TNPO3 is on the minus strand). VCF-style: chr7-128992065-T-G. GRCh37 (hg19) VCF-style: chr7-128632119-T-G.
Other names: c.1145A>C, p.Asn382Thr (NM_001382222.1); c.1292A>C, p.Asn431Thr (NM_001382223.1, NM_001191028.3, NM_001382216.1 and 2 more transcripts); c.1148A>C, p.Asn383Thr (NM_001382221.1); c.1373A>C, p.Asn458Thr (NM_001382217.1); c.1184A>C, p.Asn395Thr (NM_001382219.1); short protein forms N382T, N383T, N395T, N431T, N458T.
Identifiers: ClinVar variation 3653243 (VCV003653243.2).